The following is an entry in ClinVar:

ClinVar aggregate classification (germline): Benign/Likely benign. Review status: criteria provided, multiple submitters, no conflicts (2 of 4 stars). 4 submissions from 4 submitters: Benign (3); Likely benign (1). Last evaluated 2026-02-01.

Conditions:
Isolated neonatal sclerosing cholangitis (NSC). Also called: Sclerosing cholangitis, neonatal. Identifiers: Orphanet 480556, MedGen C4479344, MONDO:0018816, OMIM 617394.
Autosomal recessive nonsyndromic hearing loss 66 (DFNB66). Also called: Deafness, autosomal recessive 66. Identifiers: Orphanet 90636, MedGen C1857750, MONDO:0012442, OMIM 610212.

Allele frequency attached by ClinVar (database versions not stated): 1000 Genomes Project 0.03215; 1000 Genomes Project 30x 0.03404; TOPMed 0.04284; gnomAD 0.04583; gnomAD exomes 0.04706; ExAC 0.04794; ESP Exome Variant Server 0.04852.
gnomAD v4.1: 86,591 of 1,613,326 alleles (5.4%); highest among the groups gnomAD compares: Middle Eastern, 6.9%; 2,608 homozygotes.

Submissions (4):

Labcorp Genetics (formerly Invitae), Labcorp
Classification: Benign for Autosomal recessive nonsyndromic hearing loss 66; Isolated neonatal sclerosing cholangitis. Last evaluated: 2026-02-01. Review status: criteria provided, single submitter. Criteria: Invitae Variant Classification Sherloc (09022015). Collection method: clinical testing. Allele origin: germline.

Blueprint Genetics
Classification: Likely benign. Last evaluated: 2024-11-26. Review status: criteria provided, single submitter. Criteria: ACMG Guidelines, 2015. Collection method: clinical testing. Allele origin: germline.

Mayo Clinic Laboratories, Mayo Clinic
Classification: Benign. Last evaluated: 2022-05-09. Review status: criteria provided, single submitter. Criteria: ACMG Guidelines, 2015. Collection method: clinical testing. Allele origin: germline. Observed: 73 variant alleles.

GeneDx
Classification: Benign. Last evaluated: 2017-05-09. Review status: criteria provided, single submitter. Criteria: GeneDx Variant Classification (06012015). Collection method: clinical testing. Allele origin: germline. Affected: yes.
Comment: This variant is considered likely benign or benign based on one or more of the following criteria: it is a conservative change, it occurs at a poorly conserved position in the protein, it is predicted to be benign by multiple in silico algorithms, and/or has population frequency not consistent with disease.

NM_016356.5(DCDC2):c.183C>T (p.Ala61=)

Genes: DCDC2 (doublecortin domain containing 2; minus strand), KAAG1 (kidney associated DCDC2 antisense RNA 1; plus strand). Cytogenetic location: 6p22.3.
Variant type: single nucleotide variant.
Coding change: c.183C>T on transcript NM_016356.5 (MANE Select); coding-DNA position 183, C replaced by T.
Protein change: p.Ala61=; no amino-acid change (alanine 61 retained).
Molecular consequence: synonymous variant.
Genome position (GRCh38, 1-based): chr6:24,357,568, G>A on the plus strand (C>T on the coding strand, the complement: DCDC2 is on the minus strand). VCF-style: chr6-24357568-G-A. GRCh37 (hg19) VCF-style: chr6-24357796-G-A.
Other names: p.Ala61=; c.183C>T, p.Ala61= (NM_001195610.2).
Identifiers: ClinVar variation 466323 (VCV000466323.13), dbSNP rs33943110, ClinGen allele CA3654868.